The following is an entry in ClinVar:

NM_004183.4(BEST1):c.1740-3T>C

Gene: BEST1 (bestrophin 1; plus strand). Cytogenetic location: 11q12.3.
Variant type: single nucleotide variant.
Coding change: c.1740-3T>C on transcript NM_004183.4 (MANE Select); 3 bases into the intron before coding-DNA position 1740, T replaced by C.
Molecular consequence: intron variant.
Genome position (GRCh38, 1-based): chr11:61,964,101, T>C. VCF-style: chr11-61964101-T-C. GRCh37 (hg19) VCF-style: chr11-61731573-T-C.
Other names: c.*952T>C (NM_001139443.3, NM_001363591.3, NM_001363593.3); c.*1842T>C (NM_001363592.2); c.1560-3T>C (NM_001300787.2); c.1479-3T>C (NM_001300786.2).
Identifiers: ClinVar variation 3674522 (VCV003674522.2).

ClinVar aggregate classification (germline): Uncertain significance (1 of 4 stars; one submission).

Submission:

Labcorp Genetics (formerly Invitae), Labcorp
Classification: Uncertain significance. Last evaluated: 2024-07-12. Review status: criteria provided, single submitter. Criteria: Invitae Variant Classification Sherloc (09022015). Collection method: clinical testing. Allele origin: germline.
Comment: This sequence change falls in intron 10 of the BEST1 gene. It does not directly change the encoded amino acid sequence of the BEST1 protein. It affects a nucleotide within the consensus splice site. This variant is not present in population databases (gnomAD no frequency). This variant has not been reported in the literature in individuals affected with BEST1-related conditions. Variants that disrupt the consensus splice site are a relatively common cause of aberrant splicing (PMID: 17576681, 9536098). Algorithms developed to predict the effect of sequence changes on RNA splicing suggest that this variant is not likely to affect RNA splicing. In summary, the available evidence is currently insufficient to determine the role of this variant in disease. Therefore, it has been classified as a Variant of Uncertain Significance.

Literature cited by the submitters: PubMed 17576681; PubMed 9536098.